The following is an entry in ClinVar:

ClinVar aggregate classification (germline): Uncertain significance (1 of 4 stars; one submission).

Conditions:
Cardiovascular phenotype. Identifiers: MedGen CN230736.

gnomAD v4.1: 3 of 1,599,780 alleles (0.00019%); highest among the groups gnomAD compares: African/African-American, 0.004%; no homozygotes.

Submission:

Ambry Genetics
Classification: Uncertain significance for Cardiovascular phenotype. Last evaluated: 2026-04-27. Review status: criteria provided, single submitter. Criteria: Ambry Variant Classification Scheme 2023. Collection method: clinical testing. Allele origin: germline.
Comment: The c.1273-27A>G intronic variant results from an A to G substitution 27 nucleotides upstream from coding exon 10 in the ENG gene. This nucleotide position is highly conserved in available vertebrate species. In silico splice site analysis for this alteration is inconclusive. RNA studies have demonstrated that this variant results in a splice defect; the clinical impact of this abnormal splicing is unknown at this time (Ambry internal data). Based on the available evidence, the clinical significance of this variant remains unclear.

NM_001114753.3(ENG):c.1273-27A>G

Genes: ENG (endoglin; minus strand), LOC102723566 (uncharacterized LOC102723566; plus strand). Cytogenetic location: 9q34.11.
Variant type: single nucleotide variant.
Coding change: c.1273-27A>G on transcript NM_001114753.3 (MANE Select); 27 bases into the intron before coding-DNA position 1273, A replaced by G.
Molecular consequence: intron variant.
Genome position (GRCh38, 1-based): chr9:127,819,687, T>C on the plus strand (A>G on the coding strand, the complement: ENG is on the minus strand). VCF-style: chr9-127819687-T-C. GRCh37 (hg19) VCF-style: chr9-130581966-T-C.
Other names: c.1273-27A>G (NM_000118.4); c.727-27A>G (NM_001278138.2).
Identifiers: ClinVar variation 4870422 (VCV004870422.1).
Genomic context (GRCh38, chr9:127,819,687, plus strand): 5'-GTGGTGATGAGCTCGACAGGATATTGACCACCGCCTGCGGGGATAAAGCCAGGGAGCTGG[T>C]CAGAGCCAGAAAGGACCCCAGAGGGTATCCCACCCAATACGCCCATTTTTGCAGATGGGG-3'